The following is an entry in ClinVar:

NM_012463.4(ATP6V0A2):c.1100C>T (p.Pro367Leu)

Gene: ATP6V0A2 (ATPase H+ transporting V0 subunit a2; plus strand). Cytogenetic location: 12q24.31.
Variant type: single nucleotide variant.
Coding change: c.1100C>T on transcript NM_012463.4 (MANE Select); coding-DNA position 1100, C replaced by T.
Protein change: p.Pro367Leu; replaces proline 367 with leucine.
Molecular consequence: missense variant.
Genome position (GRCh38, 1-based): chr12:123,743,846, C>T. VCF-style: chr12-123743846-C-T. GRCh37 (hg19) VCF-style: chr12-124228393-C-T.
Other names: short protein forms P367L.
Identifiers: ClinVar variation 3908032 (VCV003908032.1).

ClinVar aggregate classification (germline): Uncertain significance (1 of 4 stars; one submission).

gnomAD v4.1: 7 of 1,614,094 alleles (0.00043%); highest among the groups gnomAD compares: South Asian, 0.0022%; no homozygotes.

Submission:

GeneDx
Classification: Uncertain significance. Last evaluated: 2024-12-30. Review status: criteria provided, single submitter. Criteria: GeneDx Variant Classification Process June 2021. Collection method: clinical testing. Allele origin: germline. Affected: yes.
Comment: Not observed at significant frequency in large population cohorts (gnomAD); In silico analysis supports that this missense variant has a deleterious effect on protein structure/function; Has not been previously published as pathogenic or benign to our knowledge